The following is an entry in ClinVar:

ClinVar aggregate classification (germline): Uncertain significance (1 of 4 stars; one submission).

Conditions:
Alpha thalassemia-X-linked intellectual disability syndrome (ATRX). Also called: ALPHA-THALASSEMIA/MENTAL RETARDATION SYNDROME, X-LINKED; ATR, NONDELETION TYPE; X-linked alpha-thalassemia-mental retardation syndrome; ALPHA-THALASSEMIA/IMPAIRED INTELLECTUAL DEVELOPMENT SYNDROME, X-LINKED; ATR-X syndrome; Alpha thalassemia mental retardation syndrome, nondeletion type, X-linked. Identifiers: Orphanet 847, MedGen C1845055, MONDO:0010519, OMIM 301040.

Allele frequency attached by ClinVar (database versions not stated): gnomAD exomes 0.00001 and below 0.00001; TOPMed below 0.00001.
gnomAD v4.1: 2 of 1,211,450 alleles (0.00017%); highest among the groups gnomAD compares: Admixed American, 0.0043%; no homozygotes.

Submission:

Labcorp Genetics (formerly Invitae), Labcorp
Classification: Uncertain significance for Alpha thalassemia-X-linked intellectual disability syndrome. Last evaluated: 2017-07-02. Review status: criteria provided, single submitter. Criteria: Invitae Variant Classification Sherloc (09022015). Collection method: clinical testing. Allele origin: germline.
Comment: This variant has not been reported in the literature in individuals with ATRX-related disease. This variant is not present in population databases (ExAC no frequency). This sequence change replaces threonine with alanine at codon 932 of the ATRX protein (p.Thr932Ala). The threonine residue is weakly conserved and there is a small physicochemical difference between threonine and alanine. Algorithms developed to predict the effect of missense changes on protein structure and function (SIFT, PolyPhen-2, Align-GVGD) all suggest that this variant is likely to be tolerated, but these predictions have not been confirmed by published functional studies and their clinical significance is uncertain. In summary, the available evidence is currently insufficient to determine the role of this variant in disease. Therefore, it has been classified as a Variant of Uncertain Significance.

NM_000489.6(ATRX):c.2794A>G (p.Thr932Ala)

Gene: ATRX (ATRX chromatin remodeler; minus strand). Cytogenetic location: Xq21.1.
Variant type: single nucleotide variant.
Coding change: c.2794A>G on transcript NM_000489.6 (MANE Select); coding-DNA position 2794, A replaced by G.
Protein change: p.Thr932Ala; replaces threonine 932 with alanine.
Molecular consequence: missense variant.
Genome position (GRCh38, 1-based): chrX:77,682,462, T>C on the plus strand (A>G on the coding strand, the complement: ATRX is on the minus strand). VCF-style: chrX-77682462-T-C. GRCh37 (hg19) VCF-style: chrX-76937954-T-C.
Other names: c.2680A>G, p.Thr894Ala (NM_138270.5); short protein forms T932A, T894A.
Identifiers: ClinVar variation 465049 (VCV000465049.9), dbSNP rs1557138839, ClinGen allele CA413710438.